The following is an entry in ClinVar:

NM_002291.3(LAMB1):c.1563-180C>T

Gene: LAMB1 (laminin subunit beta 1; minus strand). Cytogenetic location: 7q31.1.
Variant type: single nucleotide variant.
Coding change: c.1563-180C>T on transcript NM_002291.3 (MANE Select); 180 bases into the intron before coding-DNA position 1563, C replaced by T.
Molecular consequence: intron variant.
Genome position (GRCh38, 1-based): chr7:107,964,867, G>A on the plus strand (C>T on the coding strand, the complement: LAMB1 is on the minus strand). VCF-style: chr7-107964867-G-A. GRCh37 (hg19) VCF-style: chr7-107605312-G-A.
Identifiers: ClinVar variation 677579 (VCV000677579.2), dbSNP rs10247218, ClinGen allele CA164255479.

ClinVar aggregate classification (germline): Benign. Review status: criteria provided, multiple submitters, no conflicts (2 of 4 stars). 2 submissions from 2 submitters: Benign (2). Last evaluated 2018-06-16.

Allele frequency attached by ClinVar (database versions not stated): gnomAD 0.05278 and 0.05661; 1000 Genomes Project 0.05651; 1000 Genomes Project 30x 0.05903; TOPMed 0.05957.
gnomAD v4.1: 7,964 of 152,254 alleles (5.2%); highest among the groups gnomAD compares: African/African-American, 18%; 712 homozygotes.

Submissions (2):

GeneDx
Classification: Benign. Last evaluated: 2018-06-16. Review status: criteria provided, single submitter. Criteria: GeneDx Variant Classification (06012015). Collection method: clinical testing. Allele origin: germline. Affected: yes.
Comment: This variant is considered likely benign or benign based on one or more of the following criteria: it is a conservative change, it occurs at a poorly conserved position in the protein, it is predicted to be benign by multiple in silico algorithms, and/or has population frequency not consistent with disease.

Breakthrough Genomics
Classification: Benign. Review status: criteria provided, single submitter. Criteria: ACMG Guidelines, 2015. Collection method: not provided. Allele origin: germline. Inheritance: Autosomal recessive inheritance. Affected: yes.